The following is an entry in ClinVar:

ClinVar aggregate classification (germline): Uncertain significance (1 of 4 stars; one submission).

gnomAD v4.1: 2 of 1,613,476 alleles (0.00012%); highest among the groups gnomAD compares: Non-Finnish European, 0.00017%; no homozygotes.

Submission:

GeneDx
Classification: Uncertain significance. Last evaluated: 2025-02-27. Review status: criteria provided, single submitter. Criteria: GeneDx Variant Classification Process June 2021. Collection method: clinical testing. Allele origin: germline. Affected: yes.
Comment: Not observed at significant frequency in large population cohorts (gnomAD); In silico analysis supports that this missense variant has a deleterious effect on protein structure/function; Has not been previously published as pathogenic or benign to our knowledge

NM_015355.4(SUZ12):c.2048A>T (p.Glu683Val)

Gene: SUZ12 (SUZ12 polycomb repressive complex 2 subunit; plus strand). Cytogenetic location: 17q11.2.
Variant type: single nucleotide variant.
Coding change: c.2048A>T on transcript NM_015355.4 (MANE Select); coding-DNA position 2048, A replaced by T.
Protein change: p.Glu683Val; replaces glutamic acid 683 with valine.
Molecular consequence: missense variant.
Genome position (GRCh38, 1-based): chr17:31,998,831, A>T. VCF-style: chr17-31998831-A-T. GRCh37 (hg19) VCF-style: chr17-30325850-A-T.
Other names: c.1979A>T, p.Glu660Val (NM_001321207.2); short protein forms E660V, E683V.
Identifiers: ClinVar variation 4077240 (VCV004077240.1).